The following is an entry in ClinVar:

NM_000261.2(MYOC):c.1008C>T (p.Phe336=)

Gene: MYOC (myocilin; minus strand). Cytogenetic location: 1q24.3.
Variant type: single nucleotide variant.
Coding change: c.1008C>T on transcript NM_000261.2 (MANE Select); coding-DNA position 1008, C replaced by T.
Protein change: p.Phe336=; no amino-acid change (phenylalanine 336 retained).
Molecular consequence: synonymous variant.
Genome position (GRCh38, 1-based): chr1:171,636,432, G>A on the plus strand (C>T on the coding strand, the complement: MYOC is on the minus strand). VCF-style: chr1-171636432-G-A. GRCh37 (hg19) VCF-style: chr1-171605572-G-A.
Other names: NM_000261.2:c.1008C>T.
Identifiers: ClinVar variation 2575098 (VCV002575098.1), dbSNP rs2527839377, ClinGen allele CA343725131.

ClinVar aggregate classification (germline): Uncertain significance (3 of 4 stars; one submission).

Conditions:
Open-angle glaucoma. Identifiers: MedGen C0017612, MONDO:0005338, HP:0012108.

Submission:

ClinGen Glaucoma Variant Curation Expert Panel
Classification: Uncertain significance for Open-angle glaucoma. Last evaluated: 2026-01-12. Review status: reviewed by expert panel. Criteria: ClinGen Glaucoma ACMG Specifications V2.0.0 Approved. Collection method: curation. Allele origin: germline. Inheritance: Autosomal dominant inheritance.
Comment: The c.1008C>T variant in MYOC is a synonymous variant (p.Phe336=). This variant was not found in any genetic ancestry group of gnomAD (v4.1.0), meeting the ≤ 0.0001 threshold set for PM2_Supporting in a genetic ancestry group of at least 10,000 alleles. The SpliceAI score = 0.02, which met the ≤ 0.1 threshold for BP4, suggesting that the variant does not impact MYOC function. This synonymous variant meets BP4, so BP7 is met. There was no functional evidence predicting a damaging or benign impact of this variant on MYOC function. Only 1 segregation had been reported for juvenile open angle glaucoma (JOAG, PMID: 19688280), not meeting the ≥ 3 segregations required for PP1. Only 1 proband with JOAG had been reported (PMID: 19688280), not meeting the ≥ 2 probands threshold required to meet PS4_Supporting. In summary, this variant met the criteria to receive a score of -1 and to be classified as a variant of uncertain significance (uncertain significance classification range -1 to 5, adapted from PMID: 32720330) for juvenile open angle glaucoma based on the ACMG/AMP criteria met, as specified by the ClinGen Glaucoma VCEP (v2.0.0, 5 Dec 2024): PM2_Supporting, BP4, BP7